The following is an entry in ClinVar:

NM_152564.5(VPS13B):c.6456C>A (p.Gly2152=)

Gene: VPS13B (vacuolar protein sorting 13 homolog B; plus strand). Cytogenetic location: 8q22.2.
Variant type: single nucleotide variant.
Coding change: c.6456C>A on transcript NM_152564.5 (MANE Select); coding-DNA position 6456, C replaced by A.
Protein change: p.Gly2152=; no amino-acid change (glycine 2152 retained).
Molecular consequence: synonymous variant.
Genome position (GRCh38, 1-based): chr8:99,717,172, C>A. VCF-style: chr8-99717172-C-A. GRCh37 (hg19) VCF-style: chr8-100729400-C-A.
Other names: c.6531C>A, p.Gly2177= (NM_017890.5); c.6456C>A (NM_152564.4).
Identifiers: ClinVar variation 1091363 (VCV001091363.12), dbSNP rs141845131, ClinGen allele CA4824008.
Genomic context (GRCh38, chr8:99,717,172, plus strand): 5'-TTCCCAAACATTTTTTTTGATAAGGATGAATTATATACTCTTCTGTATTTTTTTTTCAGG[C>A]ATAATTCTTGGGTCATCATTTCTACTCAGTATAAACGATTTTCTCCTTAAAACAAGTCTC-3'
Protein context (NP_689777.3, residues 2142-2162): LSVKATQKVP[Gly2152=]IILGSSFLLS

ClinVar aggregate classification (germline): Likely benign. Review status: criteria provided, multiple submitters, no conflicts (2 of 4 stars). 3 submissions from 3 submitters: Likely benign (2). 1 of the submissions does not count toward it. Last evaluated 2024-11-04.

Conditions:
Cohen syndrome (COH1). Also called: Cutis verticis gyrata, retinitis pigmentosa, and sensorineural deafness; PEPPER SYNDROME. Identifiers: Orphanet 193, MedGen C0265223, MONDO:0008999, OMIM 216550.
VPS13B-related disorder. Also called: VPS13B-related condition.

Allele frequency attached by ClinVar (database versions not stated): ExAC 0.00001; gnomAD exomes 0.00001; 1000 Genomes Project 30x 0.00016; 1000 Genomes Project 0.00020.
gnomAD v4.1: 6 of 1,610,686 alleles (0.00037%); highest among the groups gnomAD compares: Admixed American, 0.005%; no homozygotes.

Submissions (3):

Labcorp Genetics (formerly Invitae), Labcorp
Classification: Likely benign for Cohen syndrome. Last evaluated: 2024-11-04. Review status: criteria provided, single submitter. Criteria: Invitae Variant Classification Sherloc (09022015). Collection method: clinical testing. Allele origin: germline.

Blueprint Genetics
Classification: Likely benign. Last evaluated: 2020-06-11. Review status: criteria provided, single submitter. Criteria: ACMG Guidelines, 2015. Collection method: clinical testing. Allele origin: germline.

PreventionGenetics, part of Exact Sciences
Classification: Likely benign for VPS13B-related condition. Last evaluated: 2022-02-10. Review status: no assertion criteria provided. Collection method: clinical testing. Allele origin: germline. Not counted in ClinVar's aggregate classification.
Comment: This variant is classified as likely benign based on ACMG/AMP sequence variant interpretation guidelines (Richards et al. 2015 PMID: 25741868, with internal and published modifications).